The following is an entry in ClinVar:

NM_138477.4(CDAN1):c.82G>A (p.Gly28Ser)

Gene: CDAN1 (codanin 1; minus strand). Cytogenetic location: 15q15.2.
Variant type: single nucleotide variant.
Coding change: c.82G>A on transcript NM_138477.4 (MANE Select); coding-DNA position 82, G replaced by A.
Protein change: p.Gly28Ser; replaces glycine 28 with serine.
Molecular consequence: missense variant.
Genome position (GRCh38, 1-based): chr15:42,737,021, C>T on the plus strand (G>A on the coding strand, the complement: CDAN1 is on the minus strand). VCF-style: chr15-42737021-C-T. GRCh37 (hg19) VCF-style: chr15-43029219-C-T.
Other names: short protein forms G28S.
Identifiers: ClinVar variation 2876455 (VCV002876455.3), dbSNP rs1484923541, ClinGen allele CA392061197.

ClinVar aggregate classification (germline): Uncertain significance (1 of 4 stars; one submission).

Allele frequency attached by ClinVar (database versions not stated): TOPMed below 0.00001.
gnomAD v4.1: 1 of 1,547,488 alleles (0.000065%); highest among the groups gnomAD compares: Admixed American, 0.002%; no homozygotes.

Submission:

Labcorp Genetics (formerly Invitae), Labcorp
Classification: Uncertain significance. Last evaluated: 2023-12-14. Review status: criteria provided, single submitter. Criteria: Invitae Variant Classification Sherloc (09022015). Collection method: clinical testing. Allele origin: germline.
Comment: This sequence change replaces glycine, which is neutral and non-polar, with serine, which is neutral and polar, at codon 28 of the CDAN1 protein (p.Gly28Ser). The frequency data for this variant in the population databases is considered unreliable, as metrics indicate poor data quality at this position in the gnomAD database. This variant has not been reported in the literature in individuals affected with CDAN1-related conditions. Algorithms developed to predict the effect of missense changes on protein structure and function output the following: SIFT: "Not Available"; PolyPhen-2: "Benign"; Align-GVGD: "Not Available". The serine amino acid residue is found in multiple mammalian species, which suggests that this missense change does not adversely affect protein function. In summary, the available evidence is currently insufficient to determine the role of this variant in disease. Therefore, it has been classified as a Variant of Uncertain Significance.